The following is an entry in ClinVar:

NM_024513.4(FYCO1):c.*3742T>A

Gene: FYCO1 (FYVE and coiled-coil domain autophagy adaptor 1; minus strand). Cytogenetic location: 3p21.31.
Variant type: single nucleotide variant.
Coding change: c.*3742T>A on transcript NM_024513.4 (MANE Select); 3742 bases downstream of the stop codon, T replaced by A.
Molecular consequence: 3 prime UTR variant.
Genome position (GRCh38, 1-based): chr3:45,918,023, A>T on the plus strand (T>A on the coding strand, the complement: FYCO1 is on the minus strand). VCF-style: chr3-45918023-A-T. GRCh37 (hg19) VCF-style: chr3-45959515-A-T.
Identifiers: ClinVar variation 345435 (VCV000345435.6), dbSNP rs7130, ClinGen allele CA10618900.

ClinVar aggregate classification (germline): Benign. Review status: criteria provided, multiple submitters, no conflicts (2 of 4 stars). 2 submissions from 2 submitters: Benign (2). Last evaluated 2018-01-12.

Conditions:
Cataract 18 (CATC2). Also called: CATARACT 18, AUTOSOMAL RECESSIVE. Identifiers: Orphanet 91492, Orphanet 98991, Orphanet 98992, Orphanet 98995, MedGen C1864908, MONDO:0012395, OMIM 610019.

Allele frequency attached by ClinVar (database versions not stated): gnomAD exomes 0.80556; gnomAD 0.83012 and 0.83590; TOPMed 0.84748; 1000 Genomes Project 30x 0.92052; 1000 Genomes Project 0.92173.
gnomAD v4.1: 127,446 of 152,702 alleles (83%); highest among the groups gnomAD compares: East Asian, 100%; 53,756 homozygotes.

Submissions (2):

Illumina Laboratory Services, Illumina
Classification: Benign for Cataract 18. Last evaluated: 2018-01-12. Review status: criteria provided, single submitter. Criteria: ICSL Variant Classification Criteria 13 December 2019. Collection method: clinical testing. Allele origin: germline.
Comment: This variant was observed in the ICSL laboratory as part of a predisposition screen in an ostensibly healthy population. It had not been previously curated by ICSL or reported in the Human Gene Mutation Database (HGMD: prior to June 1st, 2018), and was therefore a candidate for classification through an automated scoring system. Utilizing variant allele frequency, disease prevalence and penetrance estimates, and inheritance mode, an automated score was calculated to assess if this variant is too frequent to cause the disease. Based on the score and internal cut-off values, a variant classified as benign is not then subjected to further curation. The score for this variant resulted in a classification of benign for this disease.

Breakthrough Genomics
Classification: Benign. Review status: criteria provided, single submitter. Criteria: ACMG Guidelines, 2015. Collection method: not provided. Allele origin: germline. Inheritance: Autosomal recessive inheritance. Affected: yes.